The following is an entry in ClinVar:

ClinVar aggregate classification (germline): Pathogenic (1 of 4 stars; one submission).

Conditions:
GTP cyclohydrolase I deficiency. Identifiers: MedGen C0268467, MONDO:0100184.
Dystonia 5 (DRD). Also called: DYSTONIA, PROGRESSIVE, WITH DIURNAL VARIATION; DYSTONIA-PARKINSONISM WITH DIURNAL FLUCTUATION; Dystonia, DOPA-responsive, with or without hyperphenylalaninemia; GTP Cyclohydrolase 1-Deficient Dopa-Responsive Dystonia; DYT-GCH1. Identifiers: Orphanet 98808, MedGen C1851920, MONDO:0007495, OMIM 128230.

Submission:

Labcorp Genetics (formerly Invitae), Labcorp
Classification: Pathogenic for GTP cyclohydrolase I deficiency; Dystonia 5. Last evaluated: 2025-10-09. Review status: criteria provided, single submitter. Criteria: Invitae Variant Classification Sherloc (09022015). Collection method: clinical testing. Allele origin: germline.
Comment: This sequence change creates a premature translational stop signal (p.Gln103Hisfs*15) in the GCH1 gene. It is expected to result in an absent or disrupted protein product. Loss-of-function variants in GCH1 are known to be pathogenic (PMID: 9667588, 19332422, 19491146, 25557619). This variant is not present in population databases (gnomAD no frequency). This premature translational stop signal has been observed in individual(s) with GCH1-related conditions (PMID: 9585358). ClinVar contains an entry for this variant (Variation ID: 3759244). For these reasons, this variant has been classified as Pathogenic.

Literature cited by the submitters: PubMed 9667588; PubMed 19332422; PubMed 19491146; PubMed 25557619; PubMed 9585358.

NM_000161.3(GCH1):c.309del (p.Gln103fs)

Gene: GCH1 (GTP cyclohydrolase 1; minus strand). Cytogenetic location: 14q22.2.
Variant type: Deletion.
Coding change: c.309del on transcript NM_000161.3 (MANE Select); coding-DNA position 309, one base deleted (G; older notation c.309delG).
Protein change: p.Gln103fs; shifts the reading frame from glutamine 103.
Molecular consequence: frameshift variant.
Genome position (GRCh38, 1-based): chr14:54,902,355, C deleted on the plus strand (G on the coding strand, the reverse complement: GCH1 is on the minus strand). VCF-style (leftmost placement, unchanged base first): chr14-54902354-AC-A. GRCh37 (hg19) VCF-style: chr14-55369072-AC-A.
Other names: c.309del, p.Gln103fs (NM_001024024.2, NM_001024070.2, NM_001024071.2 and 1 more transcripts); short protein forms Q103fs.
Identifiers: ClinVar variation 3759244 (VCV003759244.2).